The following is an entry in ClinVar:

ClinVar aggregate classification (germline): Uncertain significance. Review status: criteria provided, multiple submitters, no conflicts (2 of 4 stars). 2 submissions from 2 submitters: Uncertain significance (2). Last evaluated 2025-02-03.

Conditions:
Inborn genetic diseases. Identifiers: MedGen C0950123, MeSH D030342.

Allele frequency attached by ClinVar (database versions not stated): gnomAD 0.00001; TOPMed 0.00001.
gnomAD v4.1: 1 of 1,613,406 alleles (0.000062%); highest among the groups gnomAD compares: African/African-American, 0.0013%; no homozygotes.

Submissions (2):

Ambry Genetics
Classification: Uncertain significance for Inborn genetic diseases. Last evaluated: 2025-02-03. Review status: criteria provided, single submitter. Criteria: Ambry Variant Classification Scheme 2023. Collection method: clinical testing. Allele origin: germline.
Comment: The p.V193I variant (also known as c.577G>A), located in coding exon 2 of the FANCM gene, results from a G to A substitution at nucleotide position 577. The valine at codon 193 is replaced by isoleucine, an amino acid with highly similar properties. This amino acid position is conserved. In addition, this alteration is predicted to be tolerated by in silico analysis. Based on the available evidence, the clinical significance of this variant remains unclear.

GeneDx
Classification: Uncertain significance. Last evaluated: 2023-01-23. Review status: criteria provided, single submitter. Criteria: GeneDx Variant Classification Process June 2021. Collection method: clinical testing. Allele origin: germline. Affected: yes.
Comment: Not observed at significant frequency in large population cohorts (gnomAD); In silico analysis supports that this missense variant does not alter protein structure/function; Has not been previously published as pathogenic or benign to our knowledge

NM_020937.4(FANCM):c.577G>A (p.Val193Ile)

Gene: FANCM (FA complementation group M; plus strand). Cytogenetic location: 14q21.2.
Variant type: single nucleotide variant.
Coding change: c.577G>A on transcript NM_020937.4 (MANE Select); coding-DNA position 577, G replaced by A.
Protein change: p.Val193Ile; replaces valine 193 with isoleucine.
Molecular consequence: missense variant.
Genome position (GRCh38, 1-based): chr14:45,137,137, G>A. VCF-style: chr14-45137137-G-A. GRCh37 (hg19) VCF-style: chr14-45606340-G-A.
Other names: c.577G>A, p.Val193Ile (NM_001308133.2, NM_001308134.2); short protein forms V193I.
Identifiers: ClinVar variation 2573832 (VCV002573832.2), dbSNP rs1885576386, ClinGen allele CA389588751.